The following is an entry in ClinVar:

ClinVar aggregate classification (germline): Benign/Likely benign. Review status: criteria provided, multiple submitters, no conflicts (2 of 4 stars). 3 submissions from 3 submitters: Benign (1); Likely benign (1). 1 of the submissions does not count toward it. Last evaluated 2024-11-19.

Conditions:
EPRS1-related disorder. Also called: EPRS1-related condition.

Allele frequency attached by ClinVar (database versions not stated): ESP Exome Variant Server 0.00031; gnomAD exomes 0.00037 and 0.00078; gnomAD 0.00053 and 0.00064; TOPMed 0.00063; ExAC 0.00092; 1000 Genomes Project 30x 0.00109; 1000 Genomes Project 0.00120.
gnomAD v4.1: 662 of 1,612,636 alleles (0.041%); highest among the groups gnomAD compares: South Asian, 0.48%; 2 homozygotes.

Submissions (3):

Labcorp Genetics (formerly Invitae), Labcorp
Classification: Benign. Last evaluated: 2024-11-19. Review status: criteria provided, single submitter. Criteria: Invitae Variant Classification Sherloc (09022015). Collection method: clinical testing. Allele origin: germline.

Blueprint Genetics
Classification: Likely benign. Last evaluated: 2024-05-29. Review status: criteria provided, single submitter. Criteria: ACMG Guidelines, 2015. Collection method: clinical testing. Allele origin: germline.

PreventionGenetics, part of Exact Sciences
Classification: Likely benign for EPRS1-related condition. Last evaluated: 2024-08-08. Review status: no assertion criteria provided. Collection method: clinical testing. Allele origin: germline. Not counted in ClinVar's aggregate classification.
Comment: This variant is classified as likely benign based on ACMG/AMP sequence variant interpretation guidelines (Richards et al. 2015 PMID: 25741868, with internal and published modifications).

NM_004446.3(EPRS1):c.4008T>C (p.Ser1336=)

Gene: EPRS1 (glutamyl-prolyl-tRNA synthetase 1; minus strand). Cytogenetic location: 1q41.
Variant type: single nucleotide variant.
Coding change: c.4008T>C on transcript NM_004446.3 (MANE Select); coding-DNA position 4008, T replaced by C.
Protein change: p.Ser1336=; no amino-acid change (serine 1336 retained).
Molecular consequence: synonymous variant.
Genome position (GRCh38, 1-based): chr1:219,978,621, A>G on the plus strand (T>C on the coding strand, the complement: EPRS1 is on the minus strand). VCF-style: chr1-219978621-A-G. GRCh37 (hg19) VCF-style: chr1-220151963-A-G.
Other names: c.4008T>C (NM_004446.2).
Identifiers: ClinVar variation 1170020 (VCV001170020.9), dbSNP rs140361692, ClinGen allele CA1399528.